The following is an entry in ClinVar:

NM_004387.4(NKX2-5):c.767A>T (p.Tyr256Phe)

Gene: NKX2-5 (NK2 homeobox 5; minus strand). Cytogenetic location: 5q35.1.
Variant type: single nucleotide variant.
Coding change: c.767A>T on transcript NM_004387.4 (MANE Select); coding-DNA position 767, A replaced by T.
Protein change: p.Tyr256Phe; replaces tyrosine 256 with phenylalanine.
Molecular consequence: missense variant. On other transcripts: 3 prime UTR variant (2).
Genome position (GRCh38, 1-based): chr5:173,232,777, T>A on the plus strand (A>T on the coding strand, the complement: NKX2-5 is on the minus strand). VCF-style: chr5-173232777-T-A. GRCh37 (hg19) VCF-style: chr5-172659780-T-A.
Other names: c.*720A>T (NM_001166175.2); c.*566A>T (NM_001166176.2); short protein forms Y256F.
Identifiers: ClinVar variation 4994885 (VCV004994885.1).
Genomic context (GRCh38, chr5:173,232,777, plus strand): 5'-GCGGGGTAAGCGGCAGTGCAGCTGTAGCCAGGGCTGCAGGCCGCGCCGCCGTAACCCGGA[T>A]AGGCGGGGTAGGCGTTATAACCGTAGGGATTGAGGCCCACGCCGTAGGCAGGCGCGTAGG-3'
Protein context (NP_004378.1, residues 246-266): NPYGYNAYPA[Tyr256Phe]PGYGGAACSP

ClinVar aggregate classification (germline): Uncertain significance (1 of 4 stars; one submission).

Conditions:
NKX2-5-related disorder. Also called: NKX2-5-related condition.

Submission:

PreventionGenetics, part of Exact Sciences
Classification: Uncertain significance for NKX2-5-related condition. Last evaluated: 2026-07-12. Review status: criteria provided, single submitter. Criteria: ACMG Guidelines, 2015. Collection method: clinical testing. Allele origin: germline.
Comment: The NKX2-5 c.767A>T variant is predicted to result in the amino acid substitution p.Tyr256Phe. To our knowledge, this variant has not been reported in the literature or in a large population database (gnomAD), indicating this variant is rare. At this time, the clinical significance of this variant is uncertain due to the absence of conclusive functional and genetic evidence.